The following is an entry in ClinVar:

NM_020631.6(PLEKHG5):c.440-10C>T

Gene: PLEKHG5 (pleckstrin homology and RhoGEF domain containing G5; minus strand). Cytogenetic location: 1p36.31.
Variant type: single nucleotide variant.
Coding change: c.440-10C>T on transcript NM_020631.6 (MANE Select); 10 bases into the intron before coding-DNA position 440, C replaced by T.
Molecular consequence: intron variant.
Genome position (GRCh38, 1-based): chr1:6,474,174, G>A on the plus strand (C>T on the coding strand, the complement: PLEKHG5 is on the minus strand). VCF-style: chr1-6474174-G-A. GRCh37 (hg19) VCF-style: chr1-6534234-G-A.
Other names: c.440-10C>T (NM_198681.4, NM_001265594.3, NM_001042664.2 and 1 more transcripts); c.551-10C>T (NM_001042663.3, NM_001265592.2); c.647-10C>T (NM_001265593.2).
Identifiers: ClinVar variation 284648 (VCV000284648.22), dbSNP rs201656051, ClinGen allele CA561845.
Genomic context (GRCh38, chr1:6,474,174, plus strand): 5'-AGTCCTTCATGCCCTGCTCCACCTTGCCCTCATCTCCAGGCTTGGCTGGGGCTGCATGTG[G>A]GGGCCACGAGAGATCCTCAGTACCCTGGTCTGGTGGAGGAGGGGGTCCCCGGTCCTCTCT-3'

ClinVar aggregate classification (germline): Benign/Likely benign. Review status: criteria provided, multiple submitters, no conflicts (2 of 4 stars). 5 submissions from 5 submitters: Benign (3); Likely benign (2). Last evaluated 2026-02-04.

Conditions:
Neuronopathy, distal hereditary motor, autosomal recessive 4. Also called: NEUROPATHY, DISTAL HEREDITARY MOTOR, AUTOSOMAL RECESSIVE 4; Autosomal recessive lower motor neuron disease with childhood onset. Identifiers: Orphanet 206580, MedGen C1970211, MONDO:0012608, OMIM 611067.
PLEKHG5-related disorder. Also called: PLEKHG5-related condition.
Charcot-Marie-Tooth disease recessive intermediate C. Also called: CHARCOT-MARIE-TOOTH NEUROPATHY, RECESSIVE INTERMEDIATE C. Identifiers: Orphanet 369867, MedGen C3809309, MONDO:0014154, OMIM 615376.

Allele frequency attached by ClinVar (database versions not stated): gnomAD 0.00002 and 0.00038; TOPMed 0.00009; gnomAD exomes 0.00055 and 0.00101; ExAC 0.00121; 1000 Genomes Project 30x 0.00250; 1000 Genomes Project 0.00319.

Submissions (5):

Labcorp Genetics (formerly Invitae), Labcorp
Classification: Benign for Neuronopathy, distal hereditary motor, autosomal recessive 4; Charcot-Marie-Tooth disease recessive intermediate C. Last evaluated: 2026-02-04. Review status: criteria provided, single submitter. Criteria: Invitae Variant Classification Sherloc (09022015). Collection method: clinical testing. Allele origin: germline.

PreventionGenetics, part of Exact Sciences
Classification: Likely benign for PLEKHG5-related condition. Last evaluated: 2025-06-24. Review status: criteria provided, single submitter. Criteria: ACMG Guidelines, 2015. Collection method: clinical testing. Allele origin: germline.
Comment: This variant is classified as likely benign based on ACMG/AMP sequence variant interpretation guidelines (Richards et al. 2015 PMID: 25741868, with internal and published modifications).

GeneDx
Classification: Benign. Last evaluated: 2021-01-08. Review status: criteria provided, single submitter. Criteria: GeneDx Variant Classification Process June 2021. Collection method: clinical testing. Allele origin: germline. Affected: yes.

Illumina Laboratory Services, Illumina
Classification: Likely benign for Neuronopathy, distal hereditary motor, autosomal recessive 4. Last evaluated: 2018-01-12. Review status: criteria provided, single submitter. Criteria: ICSL Variant Classification Criteria 13 December 2019. Collection method: clinical testing. Allele origin: germline.
Comment: This variant was observed in the ICSL laboratory as part of a predisposition screen in an ostensibly healthy population. It had not been previously curated by ICSL or reported in the Human Gene Mutation Database (HGMD: prior to June 1st, 2018), and was therefore a candidate for classification through an automated scoring system. Utilizing variant allele frequency, disease prevalence and penetrance estimates, and inheritance mode, an automated score was calculated to assess if this variant is too frequent to cause the disease. Based on the score and internal cut-off values, a variant classified as likely benign is not then subjected to further curation. The score for this variant resulted in a classification of likely benign for this disease.

Eurofins Ntd Llc (ga)
Classification: Benign. Last evaluated: 2015-11-19. Review status: criteria provided, single submitter. Criteria: EGL Classification Definitions 2015. Collection method: clinical testing. Allele origin: germline. Observed: 1 variant allele, 1 heterozygote.